The following is an entry in ClinVar:

NM_006506.5(RASA2):c.736G>A (p.Glu246Lys)

Gene: RASA2 (RAS p21 protein activator 2; plus strand). Cytogenetic location: 3q23.
Variant type: single nucleotide variant.
Coding change: c.736G>A on transcript NM_006506.5 (MANE Select); coding-DNA position 736, G replaced by A.
Protein change: p.Glu246Lys; replaces glutamic acid 246 with lysine.
Molecular consequence: missense variant.
Genome position (GRCh38, 1-based): chr3:141,558,937, G>A. VCF-style: chr3-141558937-G-A. GRCh37 (hg19) VCF-style: chr3-141277779-G-A.
Other names: c.736G>A, p.Glu246Lys (NM_001303245.3, NM_001303246.3); short protein forms E246K.
Identifiers: ClinVar variation 3943008 (VCV003943008.1).

ClinVar aggregate classification (germline): Uncertain significance (1 of 4 stars; one submission).

gnomAD v4.1: 2 of 1,606,686 alleles (0.00012%); highest among the groups gnomAD compares: Non-Finnish European, 0.00017%; no homozygotes.

Submission:

Ambry Genetics
Classification: Uncertain significance. Last evaluated: 2025-05-24. Review status: criteria provided, single submitter. Criteria: Ambry Variant Classification Scheme 2023. Collection method: clinical testing. Allele origin: germline.
Comment: The p.E246K variant (also known as c.736G>A), located in coding exon 8 of the RASA2 gene, results from a G to A substitution at nucleotide position 736. The glutamic acid at codon 246 is replaced by lysine, an amino acid with similar properties. This amino acid position is conserved. In addition, the in silico prediction for this alteration is inconclusive. Based on the available evidence, the clinical significance of this variant remains unclear.